The following is an entry in ClinVar:

ClinVar aggregate classification (germline): Uncertain significance (1 of 4 stars; one submission).

Conditions:
Peroxisome biogenesis disorder. Identifiers: Orphanet 79189, MedGen C1832200, MONDO:0019234. Disease mechanism: loss of function.

Submission:

Myriad Genetics, Inc.
Classification: Uncertain significance for Peroxisome biogenesis disorder. Last evaluated: 2026-06-18. Review status: criteria provided, single submitter. Criteria: Myriad Autosomal Dominant, Autosomal Recessive and X-Linked Classification Criteria (2023). Collection method: clinical testing. Allele origin: unknown.
Comment: NM_000287.3(PEX6):c.1551_1559del9(A518_R520del) is an in-frame deletion classified as a variant of uncertain significance in the context of peroxisome biogenesis disorder type 4. A518_R520del has not been observed in cases with relevant disease. Relevant functional assessments of this variant are not available in the literature. A518_R520del has not been observed in referenced population frequency databases. In summary, there is insufficient evidence to classify NM_000287.3(PEX6):c.1551_1559del9(A518_R520del) as pathogenic or benign. Please note: this variant was assessed in the context of healthy population screening.

NM_000287.4(PEX6):c.1551_1559del (p.Ala518_Arg520del)

Gene: PEX6 (peroxisomal biogenesis factor 6; minus strand). Cytogenetic location: 6p21.1.
Variant type: Deletion.
Coding change: c.1551_1559del on transcript NM_000287.4 (MANE Select); coding-DNA positions 1551 to 1559, 9 bases deleted (GGCCCGCCG; older notation c.1551_1559delGGCCCGCCG).
Protein change: p.Ala518_Arg520del.
Molecular consequence: inframe deletion. On other transcripts: non-coding transcript variant (1).
Genome position (GRCh38, 1-based): chr6:42,968,419-42,968,427, CGGCGGGCC deleted on the plus strand (GGCCCGCCG on the coding strand, the reverse complement: PEX6 is on the minus strand); deleting any 9 consecutive bases within chr6:42,968,419-42,968,430 gives the same sequence; the c. name uses the placement nearest the transcript's 3' end. VCF-style (leftmost placement, unchanged base first): chr6-42968418-ACGGCGGGCC-A. GRCh37 (hg19) VCF-style: chr6-42936156-ACGGCGGGCC-A.
Other names: c.1287_1295del, p.Ala430_Arg432del (NM_001316313.2).
Identifiers: ClinVar variation 5004737 (VCV005004737.1).
Genomic context (GRCh38, chr6:42,968,418, plus strand): 5'-CCCATCACGGTCCCGGCCCAGAAGGTCCACAGCTGTGAGCAACAGGACTGCAGGCCGGCA[ACGGCGGGCC>A]CGGGAGAAGATGGCCTGCAGTTTTGTCTCCACAGCCCCACTACTTTCTGCACAGAGGCTG-3'